The following is an entry in ClinVar:

ClinVar aggregate classification (germline): Uncertain significance. Review status: criteria provided, multiple submitters, no conflicts (2 of 4 stars). 4 submissions from 4 submitters: Uncertain significance (3). 1 of the submissions does not count toward it. Last evaluated 2021-12-05.

Conditions:
Fanconi anemia (FA). Also called: Fanconi's anemia. Identifiers: Orphanet 84, MedGen C0015625, MeSH D005199, MONDO:0019391.
Hereditary cancer-predisposing syndrome. Also called: Hereditary neoplastic syndrome; Neoplastic Syndromes, Hereditary; Tumor predisposition; Hereditary Cancer Syndrome. Identifiers: Orphanet 140162, MedGen C0027672, MeSH D009386, MONDO:0015356.

Allele frequency attached by ClinVar (database versions not stated): gnomAD exomes below 0.00001; ExAC 0.00001.

Submissions (4):

Ambry Genetics
Classification: Uncertain significance for Hereditary cancer-predisposing syndrome. Last evaluated: 2021-12-05. Review status: criteria provided, single submitter. Criteria: Ambry Variant Classification Scheme 2023. Collection method: clinical testing. Allele origin: germline.
Comment: The p.L8P variant (also known as c.23T>C), located in coding exon 1 of the FANCC gene, results from a T to C substitution at nucleotide position 23. The leucine at codon 8 is replaced by proline, an amino acid with similar properties. This amino acid position is conserved. In addition, this alteration is predicted to be tolerated by in silico analysis. Since supporting evidence is limited at this time, the clinical significance of this alteration remains unclear.

Institute for Clinical Genetics, University Hospital TU Dresden, University Hospital TU Dresden
Classification: Uncertain significance. Last evaluated: 2021-11-03. Review status: criteria provided, single submitter. Criteria: ACMG Guidelines, 2015. Collection method: clinical testing. Allele origin: germline.

Labcorp Genetics (formerly Invitae), Labcorp
Classification: Uncertain significance for Fanconi anemia. Last evaluated: 2021-09-02. Review status: criteria provided, single submitter. Criteria: Invitae Variant Classification Sherloc (09022015). Collection method: clinical testing. Allele origin: germline.
Comment: This sequence change replaces leucine with proline at codon 8 of the FANCC protein (p.Leu8Pro). The leucine residue is moderately conserved and there is a moderate physicochemical difference between leucine and proline. This variant is present in population databases (rs752249253, ExAC no frequency). This variant has not been reported in the literature in individuals affected with FANCC-related conditions. Algorithms developed to predict the effect of missense changes on protein structure and function (SIFT, PolyPhen-2, Align-GVGD) all suggest that this variant is likely to be tolerated. In summary, the available evidence is currently insufficient to determine the role of this variant in disease. Therefore, it has been classified as a Variant of Uncertain Significance.

Natera, Inc.
Classification: Uncertain significance for Fanconi anemia. Last evaluated: 2021-03-02. Review status: no assertion criteria provided. Collection method: clinical testing. Allele origin: germline. Not counted in ClinVar's aggregate classification.

NM_000136.3(FANCC):c.23T>C (p.Leu8Pro)

Gene: FANCC (FA complementation group C; minus strand). Cytogenetic location: 9q22.32.
Variant type: single nucleotide variant.
Coding change: c.23T>C on transcript NM_000136.3 (MANE Select); coding-DNA position 23, T replaced by C.
Protein change: p.Leu8Pro; replaces leucine 8 with proline.
Molecular consequence: missense variant.
Genome position (GRCh38, 1-based): chr9:95,249,269, A>G on the plus strand (T>C on the coding strand, the complement: FANCC is on the minus strand). VCF-style: chr9-95249269-A-G. GRCh37 (hg19) VCF-style: chr9-98011551-A-G.
Other names: c.23T>C, p.Leu8Pro (NM_001243743.2, NM_001243744.2); short protein forms L8P.
Identifiers: ClinVar variation 837120 (VCV000837120.11), dbSNP rs752249253, ClinGen allele CA5137849.
Genomic context (GRCh38, chr9:95,249,269, plus strand): 5'-AAAGTGGAAGCCTGATCCCATACAGAAAGCTTCTGCATCCAAAACTGATAATCACAAGAA[A>G]GATCTACTGAATCTTGAGCCATCTTGGAAAAAGCGAAAAGGTGATGTCCCTTCACAGCAG-3'
Protein context (NP_000127.2, residues 1-18): MAQDSVD[Leu8Pro]SCDYQFWMQK